The following is an entry in ClinVar:

NM_021954.4(GJA3):c.178G>A (p.Gly60Ser)

Gene: GJA3 (gap junction protein alpha 3; minus strand). Cytogenetic location: 13q12.11.
Variant type: single nucleotide variant.
Coding change: c.178G>A on transcript NM_021954.4 (MANE Select); coding-DNA position 178, G replaced by A.
Protein change: p.Gly60Ser; replaces glycine 60 with serine.
Molecular consequence: missense variant.
Genome position (GRCh38, 1-based): chr13:20,143,111, C>T on the plus strand (G>A on the coding strand, the complement: GJA3 is on the minus strand). VCF-style: chr13-20143111-C-T. GRCh37 (hg19) VCF-style: chr13-20717250-C-T.
Other names: short protein forms G60S.
Identifiers: ClinVar variation 1345145 (VCV001345145.6), dbSNP rs2141138370, ClinGen allele CA387465447.

ClinVar aggregate classification (germline): Likely pathogenic (1 of 4 stars; one submission).

Conditions:
Cataract 14 multiple types. Also called: CATARACT 14, ZONULAR PULVERULENT; CATARACT 14, NUCLEAR PULVERULENT; CATARACT 14, NUCLEAR PULVERULENT AND POSTERIOR POLAR; CATARACT 14, NUCLEAR CORALLIFORM; CATARACT 14, EMBRYONAL NUCLEAR; CATARACT 14, COPPOCK-LIKE. Identifiers: Orphanet 91492, MedGen C1866078, MONDO:0011162, OMIM 601885.

Submission:

Labcorp Genetics (formerly Invitae), Labcorp
Classification: Likely pathogenic for Cataract 14 multiple types. Last evaluated: 2022-07-26. Review status: criteria provided, single submitter. Criteria: Invitae Variant Classification Sherloc (09022015). Collection method: clinical testing. Allele origin: germline.
Comment: In summary, the currently available evidence indicates that the variant is pathogenic, but additional data are needed to prove that conclusively. Therefore, this variant has been classified as Likely Pathogenic. Algorithms developed to predict the effect of missense changes on protein structure and function (SIFT, PolyPhen-2, Align-GVGD) all suggest that this variant is likely to be disruptive. ClinVar contains an entry for this variant (Variation ID: 1345145). This missense change has been observed in individual(s) with congenital cataracts (Invitae). In at least one individual the variant was observed to be de novo. This variant is not present in population databases (gnomAD no frequency). This sequence change replaces glycine, which is neutral and non-polar, with serine, which is neutral and polar, at codon 60 of the GJA3 protein (p.Gly60Ser).